The following is an entry in ClinVar:

NM_000138.5(FBN1):c.539-1G>T

Gene: FBN1 (fibrillin 1; minus strand). Cytogenetic location: 15q21.1.
Variant type: single nucleotide variant.
Coding change: c.539-1G>T on transcript NM_000138.5 (MANE Select); the canonical splice acceptor site of the intron before coding-DNA position 539, G replaced by T.
Molecular consequence: splice acceptor variant.
Genome position (GRCh38, 1-based): chr15:48,537,809, C>A on the plus strand (G>T on the coding strand, the complement: FBN1 is on the minus strand). VCF-style: chr15-48537809-C-A. GRCh37 (hg19) VCF-style: chr15-48830006-C-A.
Other names: c.539-1G>T (NM_001406716.1, NM_001406717.1).
Identifiers: ClinVar variation 280279 (VCV000280279.3), dbSNP rs794728161, ClinGen allele CA10603465.
Genomic context (GRCh38, chr15:48,537,809, plus strand): 5'-TGAGTTGTCCCTGGCACATCTGGTTGCTGATCACAGTAAAACATGGGCCTGTCCTGTAAT[C>A]TGAAAATAAAGAATAAAAATCTGATGAAAATCCAGAAAAGCAGGAACCATCATGCAGAGG-3'

ClinVar aggregate classification (germline): Pathogenic (1 of 4 stars; one submission).

Submission:

GeneDx
Classification: Pathogenic. Last evaluated: 2021-05-20. Review status: criteria provided, single submitter. Criteria: GeneDx Variant Classification Process June 2021. Collection method: clinical testing. Allele origin: germline. Affected: yes.
Comment: Has not been previously published as pathogenic or benign to our knowledge; Not observed in large population cohorts (Lek et al., 2016); Splice site variants in this gene are frequently reported as pathogenic, regardless of frame prediction (Stenson et al., 2014); Canonical splice site variant expected to result in aberrant splicing, although in the absence of functional evidence the actual effect of this sequence change is unknown.